The following is an entry in ClinVar:

ClinVar aggregate classification (germline): Uncertain significance (1 of 4 stars; one submission).

Allele frequency attached by ClinVar (database versions not stated): gnomAD exomes below 0.00001.

Submission:

Women's Health and Genetics/Laboratory Corporation of America, LabCorp
Classification: Uncertain significance. Last evaluated: 2023-08-14. Review status: criteria provided, single submitter. Criteria: LabCorp Variant Classification Summary - May 2015. Collection method: clinical testing. Allele origin: germline.
Comment: Variant summary: TGFB3 c.876C>T alters a non-conserved nucleotide resulting in a synonymous change. Several computational tools predict a significant impact on normal splicing: Two predict the variant creates a cryptic 5' donor site within exon 5. However, these predictions have yet to be confirmed by functional studies. The variant allele was found at a frequency of 4e-06 in 251438 control chromosomes (gnomAD). The available data on variant occurrences in the general population are insufficient to allow any conclusion about variant significance. To our knowledge, no occurrence of c.876C>T in individuals affected with Arrhythmogenic Right Ventricular Dysplasia/Cardiomyopathy and no experimental evidence demonstrating its impact on protein function have been reported. No submitters have cited clinical-significance assessments for this variant to ClinVar after 2014. Based on the evidence outlined above, the variant was classified as uncertain significance.

NM_003239.5(TGFB3):c.876C>T (p.Gly292=)

Gene: TGFB3 (transforming growth factor beta 3; minus strand). Cytogenetic location: 14q24.3.
Variant type: single nucleotide variant.
Coding change: c.876C>T on transcript NM_003239.5 (MANE Select); coding-DNA position 876, C replaced by T.
Protein change: p.Gly292=; no amino-acid change (glycine 292 retained).
Molecular consequence: synonymous variant.
Genome position (GRCh38, 1-based): chr14:75,963,366, G>A on the plus strand (C>T on the coding strand, the complement: TGFB3 is on the minus strand). VCF-style: chr14-75963366-G-A. GRCh37 (hg19) VCF-style: chr14-76429709-G-A.
Other names: c.876C>T, p.Gly292= (NM_001329938.2, NM_001329939.2).
Identifiers: ClinVar variation 2581684 (VCV002581684.1), dbSNP rs1260476371, ClinGen allele CA487189195.
Genomic context (GRCh38, chr14:75,963,366, plus strand): 5'-CCAGTCTCACCGGAAGCAGTAATTGGTGTCCAAAGCCCGCTTCTTCCTCTGACCCCCCTG[G>A]CCCGGGTTGTCGAGCCGGTGTGGGGGAATCATCATGAGGATTAGATGAGGGTTGTGGTGA-3'
Protein context (NP_003230.1, residues 282-302): MIPPHRLDNP[Gly292=]QGGQRKKRAL